The following is an entry in ClinVar:

NM_001148.6(ANK2):c.670A>C (p.Met224Leu)

Gene: ANK2 (ankyrin 2; plus strand). Cytogenetic location: 4q26.
Variant type: single nucleotide variant.
Coding change: c.670A>C on transcript NM_001148.6 (MANE Select); coding-DNA position 670, A replaced by C.
Protein change: p.Met224Leu; replaces methionine 224 with leucine.
Molecular consequence: missense variant. On other transcripts: intron variant (24).
Genome position (GRCh38, 1-based): chr4:113,237,599, A>C. VCF-style: chr4-113237599-A-C. GRCh37 (hg19) VCF-style: chr4-114158755-A-C.
Other names: c.607A>C, p.Met203Leu (NM_001127493.3, NM_001354239.2, NM_001354243.2 and 14 more transcripts); c.670A>C, p.Met224Leu (NM_001354225.2, NM_001354228.2, NM_001354232.2 and 9 more transcripts); c.715A>C, p.Met239Leu (NM_001354230.2, NM_001354231.2, NM_001354237.2 and 5 more transcripts); c.658A>C, p.Met220Leu (NM_001386148.2, NM_001354269.3, NM_001386186.2); c.721A>C, p.Met241Leu (NM_001386174.1); c.606+427A>C (NM_001354274.2, NM_001386154.1, NM_001386151.1 and 16 more transcripts); c.651+427A>C (NM_001354261.2, NM_001386147.1, NM_001386160.1); c.720+427A>C (NM_001386175.1); and 1 more; short protein forms M220L, M224L, M239L, M241L, M203L.
Identifiers: ClinVar variation 1501988 (VCV001501988.8), dbSNP rs1261818090, ClinGen allele CA357917103.

ClinVar aggregate classification (germline): Uncertain significance (1 of 4 stars; one submission).

Conditions:
Long QT syndrome (LQTS). Identifiers: MedGen C0023976, MeSH D008133, MONDO:0002442. Disease mechanism: loss of function. Inheritance: Various modes of inheritance.

Allele frequency attached by ClinVar (database versions not stated): TOPMed 0.00001.

Submission:

Labcorp Genetics (formerly Invitae), Labcorp
Classification: Uncertain significance for Long QT syndrome. Last evaluated: 2021-05-30. Review status: criteria provided, single submitter. Criteria: Invitae Variant Classification Sherloc (09022015). Collection method: clinical testing. Allele origin: germline.
Comment: In summary, the available evidence is currently insufficient to determine the role of this variant in disease. Therefore, it has been classified as a Variant of Uncertain Significance. Algorithms developed to predict the effect of sequence changes on RNA splicing suggest that this variant may disrupt the consensus splice site, but this prediction has not been confirmed by published transcriptional studies. Algorithms developed to predict the effect of missense changes on protein structure and function (SIFT, PolyPhen-2, Align-GVGD) all suggest that this variant is likely to be tolerated, but these predictions have not been confirmed by published functional studies and their clinical significance is uncertain. This variant has not been reported in the literature in individuals with ANK2-related conditions. This variant is not present in population databases (ExAC no frequency). This sequence change replaces methionine with leucine at codon 224 of the ANK2 protein (p.Met224Leu). The methionine residue is moderately conserved and there is a small physicochemical difference between methionine and leucine.